The following is an entry in ClinVar:

NM_080424.4(SP110):c.401A>G (p.His134Arg)

Genes: SP140 (SP140 nuclear body protein; plus strand), SP110 (SP110 nuclear body protein; minus strand). Cytogenetic location: 2q37.1.
Variant type: single nucleotide variant.
Coding change: c.401A>G on transcript NM_080424.4 (MANE Select); coding-DNA position 401, A replaced by G.
Protein change: p.His134Arg; replaces histidine 134 with arginine.
Molecular consequence: missense variant.
Genome position (GRCh38, 1-based): chr2:230,212,943, T>C on the plus strand (A>G on the coding strand, the complement: SP110 is on the minus strand). VCF-style: chr2-230212943-T-C. GRCh37 (hg19) VCF-style: chr2-231077658-T-C.
Other names: c.419A>G, p.His140Arg (NM_001185015.2, NM_001378442.1, NM_001378444.1 and 2 more transcripts); c.401A>G, p.His134Arg (NM_001378443.1, NM_001378447.1, NM_004509.5 and 1 more transcripts); short protein forms H140R, H134R.
Identifiers: ClinVar variation 1038682 (VCV001038682.7), dbSNP rs2044658221, ClinGen allele CA350916914.

ClinVar aggregate classification (germline): Uncertain significance (1 of 4 stars; one submission).

Conditions:
Hepatic veno-occlusive disease-immunodeficiency syndrome. Also called: Hepatic Veno-Occlusive Disease with Immunodeficiency. Identifiers: Orphanet 79124, MedGen C1856128, MONDO:0009338, OMIM 235550. Disease mechanism: loss of function.

Allele frequency attached by ClinVar (database versions not stated): gnomAD exomes below 0.00001.
gnomAD v4.1: 4 of 1,613,962 alleles (0.00025%); highest among the groups gnomAD compares: Non-Finnish European, 0.00017%; no homozygotes.

Submission:

Labcorp Genetics (formerly Invitae), Labcorp
Classification: Uncertain significance for Hepatic veno-occlusive disease-immunodeficiency syndrome. Last evaluated: 2021-06-25. Review status: criteria provided, single submitter. Criteria: Invitae Variant Classification Sherloc (09022015). Collection method: clinical testing. Allele origin: germline.
Comment: This sequence change replaces histidine with arginine at codon 134 of the SP110 protein (p.His134Arg). The histidine residue is weakly conserved and there is a small physicochemical difference between histidine and arginine. This variant is not present in population databases (ExAC no frequency). This variant has not been reported in the literature in individuals with SP110-related conditions. Algorithms developed to predict the effect of missense changes on protein structure and function output the following: SIFT: "Tolerated"; PolyPhen-2: "Benign"; Align-GVGD: "Class C0". The arginine amino acid residue is found in multiple mammalian species, suggesting that this missense change does not adversely affect protein function. These predictions have not been confirmed by published functional studies and their clinical significance is uncertain. In summary, the available evidence is currently insufficient to determine the role of this variant in disease. Therefore, it has been classified as a Variant of Uncertain Significance.